The following is an entry in ClinVar:

NM_031407.7(HUWE1):c.2877-11T>G

Gene: HUWE1 (HECT, UBA and WWE domain containing E3 ubiquitin protein ligase 1; minus strand). Cytogenetic location: Xp11.22.
Variant type: single nucleotide variant.
Coding change: c.2877-11T>G on transcript NM_031407.7 (MANE Select); 11 bases into the intron before coding-DNA position 2877, T replaced by G.
Molecular consequence: intron variant.
Genome position (GRCh38, 1-based): chrX:53,602,669, A>C on the plus strand (T>G on the coding strand, the complement: HUWE1 is on the minus strand). VCF-style: chrX-53602669-A-C. GRCh37 (hg19) VCF-style: chrX-53629630-A-C.
Other names: c.2877-11T>G (NM_001441048.1, NM_001441051.1, NM_001441049.1 and 6 more transcripts); c.2898-11T>G (NM_001441050.1, NM_001441055.1).
Identifiers: ClinVar variation 4279536 (VCV004279536.1).
Genomic context (GRCh38, chrX:53,602,669, plus strand): 5'-GAACCAGTTTCTGCATATCTGCCTGGCCAAATTCACACCCAGATGGTAGGCTGCAAAAAG[A>C]GAAATGCTGAGCAAAAGAAATATATATATATATATACTGATAATTCACCTCTTATATTGT-3'

ClinVar aggregate classification (germline): Uncertain significance (1 of 4 stars; one submission).

Conditions:
Intellectual developmental disorder, X-linked, syndromic, Turner type. Also called: Intellectual disability, X-linked syndromic, Turner type; X-linked intellectual disability, Turner type. Identifiers: Orphanet 3056, Orphanet 85328, MedGen C2678046, MONDO:0010407, OMIM 309590.

Submission:

Department of Paediatrics at Addenbrookes, Cambridge University Hospitals NHS Foundation Trust (UK)
Classification: Uncertain significance for Intellectual developmental disorder, X-linked, syndromic, Turner type. Last evaluated: 2025-05-27. Review status: criteria provided, single submitter. Criteria: Durkie Uk Practice Guidelines For Variant Classification V12 2024 (1). Collection method: clinical testing. Allele origin: unknown.
Comment: PM2_Moderate; PP3_Supporting; PP4_Supporting